The following is an entry in ClinVar:

NM_001853.4(COL9A3):c.183+5G>C

Gene: COL9A3 (collagen type IX alpha 3 chain; plus strand). Cytogenetic location: 20q13.33.
Variant type: single nucleotide variant.
Coding change: c.183+5G>C on transcript NM_001853.4 (MANE Select); 5 bases into the intron after coding-DNA position 183, G replaced by C.
Molecular consequence: intron variant.
Genome position (GRCh38, 1-based): chr20:62,818,558, G>C. VCF-style: chr20-62818558-G-C. GRCh37 (hg19) VCF-style: chr20-61449910-G-C.
Identifiers: ClinVar variation 1067404 (VCV001067404.9), dbSNP rs1600786748, ClinGen allele CA2499225793.

ClinVar aggregate classification (germline): Likely pathogenic (1 of 4 stars; one submission).

Submission:

Labcorp Genetics (formerly Invitae), Labcorp
Classification: Likely pathogenic. Last evaluated: 2020-11-10. Review status: criteria provided, single submitter. Criteria: Invitae Variant Classification Sherloc (09022015). Collection method: clinical testing. Allele origin: germline.
Comment: This sequence change falls in intron 3 of the COL9A3 gene. It does not directly change the encoded amino acid sequence of the COL9A3 protein, but it affects a nucleotide within the consensus splice site of the intron. This variant is not present in population databases (ExAC no frequency). This variant has been observed in individual(s) with clinical features of multiple epiphyseal dysplasia (Invitae). It has also been observed to segregate with disease in related individuals. Nucleotide substitutions within the consensus splice site are a relatively common cause of aberrant splicing (PMID: 17576681, 9536098). Algorithms developed to predict the effect of sequence changes on RNA splicing suggest that this variant may disrupt the consensus splice site, but this prediction has not been confirmed by published transcriptional studies. This variant disrupts the c.183+5G nucleotide in the COL9A3 gene. Other variant(s) that disrupt this nucleotide have been determined to be pathogenic (PMID: 15551337). This suggests that this nucleotide is clinically-significant, and that variants that disrupt this position are likely to be disease-causing. In summary, the currently available evidence indicates that the variant is pathogenic, but additional data are needed to prove that conclusively. Therefore, this variant has been classified as Likely Pathogenic.

Literature cited by the submitters: PubMed 17576681; PubMed 9536098; PubMed 15551337.